The following is an entry in ClinVar:

ClinVar aggregate classification (germline): Benign/Likely benign. Review status: criteria provided, multiple submitters, no conflicts (2 of 4 stars). 2 submissions from 2 submitters: Benign (1); Likely benign (1). Last evaluated 2022-05-01.

Allele frequency attached by ClinVar (database versions not stated): 1000 Genomes Project 0.00040; 1000 Genomes Project 30x 0.00047; ESP Exome Variant Server 0.00121; TOPMed 0.00147.
gnomAD v4.1: 350 of 1,613,652 alleles (0.022%); highest among the groups gnomAD compares: African/African-American, 0.41%; no homozygotes.

Submissions (2):

CeGaT Center for Human Genetics Tuebingen
Classification: Likely benign. Last evaluated: 2022-05-01. Review status: criteria provided, single submitter. Criteria: CeGaT Center For Human Genetics Tuebingen Variant Classification Criteria Version 2. Collection method: clinical testing. Allele origin: germline. Affected: yes. Observed: 1 variant allele.
Comment: TNS3: BP4, BP7

Labcorp Genetics (formerly Invitae), Labcorp
Classification: Benign. Last evaluated: 2018-05-17. Review status: criteria provided, single submitter. Criteria: Invitae Variant Classification Sherloc (09022015). Collection method: clinical testing. Allele origin: germline.

NM_022748.12(TNS3):c.3147G>C (p.Pro1049=)

Gene: TNS3 (tensin 3; minus strand). Cytogenetic location: 7p12.3.
Variant type: single nucleotide variant.
Coding change: c.3147G>C on transcript NM_022748.12 (MANE Select); coding-DNA position 3147, G replaced by C.
Protein change: p.Pro1049=; no amino-acid change (proline 1049 retained).
Molecular consequence: synonymous variant.
Genome position (GRCh38, 1-based): chr7:47,303,260, C>G on the plus strand (G>C on the coding strand, the complement: TNS3 is on the minus strand). VCF-style: chr7-47303260-C-G. GRCh37 (hg19) VCF-style: chr7-47342858-C-G.
Identifiers: ClinVar variation 709120 (VCV000709120.27), dbSNP rs373883298, ClinGen allele CA4250399.